The following is an entry in ClinVar:

ClinVar aggregate classification (germline): Pathogenic (1 of 4 stars; one submission).

Submission:

Labcorp Genetics (formerly Invitae), Labcorp
Classification: Pathogenic. Last evaluated: 2022-04-09. Review status: criteria provided, single submitter. Criteria: Invitae Variant Classification Sherloc (09022015). Collection method: clinical testing. Allele origin: germline.
Comment: For these reasons, this variant has been classified as Pathogenic. This variant has not been reported in the literature in individuals affected with COL4A3-related conditions. This variant is not present in population databases (gnomAD no frequency). This sequence change creates a premature translational stop signal (p.Gly970*) in the COL4A3 gene. It is expected to result in an absent or disrupted protein product. Loss-of-function variants in COL4A3 are known to be pathogenic (PMID: 8956999, 24854265, 26809805, 27281700).

Literature cited by the submitters: PubMed 8956999; PubMed 24854265; PubMed 26809805; PubMed 27281700.

NM_000091.5(COL4A3):c.2908G>T (p.Gly970Ter)

Genes: COL4A3 (collagen type IV alpha 3 chain; plus strand), MFF-DT (MFF divergent transcript; minus strand). Cytogenetic location: 2q36.3.
Variant type: single nucleotide variant.
Coding change: c.2908G>T on transcript NM_000091.5 (MANE Select); coding-DNA position 2908, G replaced by T.
Protein change: p.Gly970Ter; replaces glycine 970 with a stop codon.
Molecular consequence: nonsense.
Genome position (GRCh38, 1-based): chr2:227,289,176, G>T. VCF-style: chr2-227289176-G-T. GRCh37 (hg19) VCF-style: chr2-228153892-G-T.
Other names: short protein forms G970*.
Identifiers: ClinVar variation 2123701 (VCV002123701.4), dbSNP rs2469815729, ClinGen allele CA350854039.